The following is an entry in ClinVar:

ClinVar aggregate classification (germline): Uncertain significance. Review status: criteria provided, multiple submitters, no conflicts (2 of 4 stars). 2 submissions from 2 submitters: Uncertain significance (2). Last evaluated 2025-03-30.

Conditions:
Inborn genetic diseases. Identifiers: MedGen C0950123, MeSH D030342.

Allele frequency attached by ClinVar (database versions not stated): TOPMed 0.00001; gnomAD 0.00001.

Submissions (2):

Ambry Genetics
Classification: Uncertain significance for Inborn genetic diseases. Last evaluated: 2025-03-30. Review status: criteria provided, single submitter. Criteria: Ambry Variant Classification Scheme 2023. Collection method: clinical testing. Allele origin: germline.

Labcorp Genetics (formerly Invitae), Labcorp
Classification: Uncertain significance. Last evaluated: 2021-08-28. Review status: criteria provided, single submitter. Criteria: Invitae Variant Classification Sherloc (09022015). Collection method: clinical testing. Allele origin: germline.
Comment: This sequence change replaces valine with leucine at codon 138 of the TUBGCP4 protein (p.Val138Leu). The valine residue is moderately conserved and there is a small physicochemical difference between valine and leucine. This variant is not present in population databases (ExAC no frequency). This variant has not been reported in the literature in individuals affected with TUBGCP4-related conditions. Algorithms developed to predict the effect of missense changes on protein structure and function (SIFT, PolyPhen-2, Align-GVGD) all suggest that this variant is likely to be tolerated. Algorithms developed to predict the effect of sequence changes on RNA splicing suggest that this variant is not likely to affect RNA splicing. In summary, the available evidence is currently insufficient to determine the role of this variant in disease. Therefore, it has been classified as a Variant of Uncertain Significance.

NM_014444.5(TUBGCP4):c.412G>C (p.Val138Leu)

Gene: TUBGCP4 (tubulin gamma complex component 4; plus strand). Cytogenetic location: 15q15.3.
Variant type: single nucleotide variant.
Coding change: c.412G>C on transcript NM_014444.5 (MANE Select); coding-DNA position 412, G replaced by C.
Protein change: p.Val138Leu; replaces valine 138 with leucine.
Molecular consequence: missense variant.
Genome position (GRCh38, 1-based): chr15:43,377,874, G>C. VCF-style: chr15-43377874-G-C. GRCh37 (hg19) VCF-style: chr15-43670072-G-C.
Other names: c.412G>C, p.Val138Leu (NM_001286414.3); c.412G>C (NM_014444.2); short protein forms V138L.
Identifiers: ClinVar variation 933692 (VCV000933692.8), dbSNP rs779608171, ClinGen allele CA392117175.